The following is an entry in ClinVar:

NM_000138.5(FBN1):c.4330T>A (p.Cys1444Ser)

Genes: FBN1 (fibrillin 1; minus strand), LOC126862124 (CDK7 strongly-dependent group 2 enhancer GRCh37_chr15:48764566-48765765; plus strand). Cytogenetic location: 15q21.1.
Variant type: single nucleotide variant.
Coding change: c.4330T>A on transcript NM_000138.5 (MANE Select); coding-DNA position 4330, T replaced by A.
Protein change: p.Cys1444Ser; replaces cysteine 1444 with serine.
Molecular consequence: missense variant.
Genome position (GRCh38, 1-based): chr15:48,472,557, A>T on the plus strand (T>A on the coding strand, the complement: FBN1 is on the minus strand). VCF-style: chr15-48472557-A-T. GRCh37 (hg19) VCF-style: chr15-48764754-A-T.
Other names: NM_000138.5(FBN1):c.4330T>A; p.Cys1444Ser; short protein forms C1444S.
Identifiers: ClinVar variation 222604 (VCV000222604.12), dbSNP rs869025406, ClinGen allele CA353655.

ClinVar aggregate classification (germline): Pathogenic. Review status: reviewed by expert panel (3 of 4 stars). 3 submissions from 3 submitters: Pathogenic (1). 2 of the submissions do not count toward it. Last evaluated 2023-12-29.

Conditions:
Marfan syndrome (MFS). Also called: MARFAN SYNDROME, TYPE I; FBN1-Related Marfan Syndrome; Marfan syndrome, classic; Marfan syndrome type 1; Marfan's syndrome. Identifiers: Orphanet 284963, Orphanet 558, MedGen C0024796, MONDO:0007947, OMIM 154700.
Familial thoracic aortic aneurysm and aortic dissection (TAAD). Also called: Thoracic aortic aneurysms and dissections. Identifiers: Orphanet 91387, MedGen C4707243, MONDO:0019625.
FBN1-related disorder. Also called: FBN1-related disorders.

Submissions (3):

ClinGen FBN1 Variant Curation Expert Panel, ClinGen
Classification: Pathogenic for Marfan syndrome. Last evaluated: 2023-12-29. Review status: reviewed by expert panel. Criteria: Assertion Criteria VCEP FBN1 Version 1. Collection method: curation. Allele origin: germline. Inheritance: Autosomal dominant inheritance.
Comment: NM_000138.5 c.4330T>A is a missense variant in FBN1 predicted to cause a substitution of a cysteine by serine at amino acid 1444 (p.Cys1444Ser). This variant has been identified in an adult patient with Marfan syndrome with bilateral ectopia lentis (EL), borderline thoracic aortic aneurysm and dissection (TAAD), and systemic features (PP4; Invitae internal data). A different nucleotide substitution (c.4331G>C) resulting in the same amino acid change has been identified in three individuals with clinical diagnoses of Marfan syndrome, all of whom were noted to have have EL in addition to other features of Marfan syndrome (PS4_moderate; University of Tokyo, Bichat, & Invitae internal data); in one family, c.4331G>C was found to segregate with annuloaortic ectasia and arachnodactyly in an infant child (University of Tokyo internal data). Of note, there is no predicted difference in splicing patterns between the two nucleotide substitutions. The c.4330T>A variant is absent from gnomAD (PM2_supporting;, v2.1.1 & v3.1.2). It affects a cysteine residue in a calcium-binding EGF-like domain; cysteine residues are involved in the formation of disulfide bridges which are essential for the protein structure (PM1_strong). Computational prediction tools and conservation analysis further support that this variant is likely to impact the protein (PP3; REVEL = 0.949). The constraint z-score for missense variants affecting FBN1 is 5.06 (PP2). In summary, c.4330T>A (p.Cys1444Ser) meets criteria to be classified as pathogenic for Marfan syndrome based on the ACMG/AMP criteria applied, as specified by the ClinGen FBN1 VCEP: PM1_strong, PS4_moderate, PP2, PP3, PP4, PM2_supporting.

Labcorp Genetics (formerly Invitae), Labcorp
Classification: Pathogenic for Marfan syndrome; Familial thoracic aortic aneurysm and aortic dissection. Last evaluated: 2021-05-05. Review status: criteria provided, single submitter. Criteria: Invitae Variant Classification Sherloc (09022015). Collection method: clinical testing. Allele origin: germline. Not counted in ClinVar's aggregate classification.
Comment: This sequence change replaces cysteine with serine at codon 1444 of the FBN1 protein (p.Cys1444Ser). The cysteine residue is highly conserved and there is a moderate physicochemical difference between cysteine and serine. This variant disrupts the p.Cys1444 amino acid residue in FBN1. Other variant(s) that disrupt this residue have been observed in individuals with FBN1-related conditions (PMID: 31098894, Invitae), which suggests that this may be a clinically significant amino acid residue. For these reasons, this variant has been classified as Pathogenic. This variant affects a cysteine residue in the EGF-like, TGFBP or hybrid motif domains of FBN1. Cysteine residues are believed to be involved in intramolecular disulfide bridges and have been shown to be important for FBN1 protein structure (PMID: 16905551, 19349279). In addition, missense substitutions affecting cysteine residues within these domains are significantly overrepresented among patients with Marfan syndrome (PMID: 16571647, 17701892). Algorithms developed to predict the effect of missense changes on protein structure and function are either unavailable or do not agree on the potential impact of this missense change (SIFT: "Deleterious"; PolyPhen-2: "Probably Damaging"; Align-GVGD: "Class C0"). This variant has been observed in individual(s) with clinical features of Marfan syndrome (Invitae). ClinVar contains an entry for this variant (Variation ID: 222604). This variant is not present in population databases (ExAC no frequency).

Blueprint Genetics
Classification: Likely pathogenic for FBN1-related disorders. Last evaluated: 2019-06-14. Review status: criteria provided, single submitter. Criteria: ACMG Guidelines, 2015. Collection method: clinical testing. Allele origin: germline. Affected: yes. Observed: 1 variant allele. Not counted in ClinVar's aggregate classification.

Literature cited by the submitters: PubMed 31098894 (cited by Labcorp Genetics (formerly Invitae), Labcorp); PubMed 16905551 (cited by Labcorp Genetics (formerly Invitae), Labcorp); PubMed 19349279 (cited by Labcorp Genetics (formerly Invitae), Labcorp); PubMed 16571647 (cited by Labcorp Genetics (formerly Invitae), Labcorp); PubMed 17701892 (cited by Labcorp Genetics (formerly Invitae), Labcorp).